The following is an entry in ClinVar:

ClinVar aggregate classification (germline): Uncertain significance (1 of 4 stars; one submission).

Conditions:
Mitochondrial myopathy-cerebellar ataxia-pigmentary retinopathy syndrome. Also called: MYOPATHY, MITOCHONDRIAL, AND ATAXIA. Identifiers: Orphanet 502423, MedGen C4540096, MONDO:0044714, OMIM 617675.

Submission:

Broad Center for Mendelian Genomics, Broad Institute of MIT and Harvard
Classification: Uncertain significance for Mitochondrial myopathy-cerebellar ataxia-pigmentary retinopathy syndrome. Last evaluated: 2020-05-28. Review status: criteria provided, single submitter. Criteria: ACMG Guidelines, 2015. Collection method: research. Allele origin: germline. Inheritance: Autosomal recessive inheritance.
Comment: Computational prediction tools, including splice predictors, and conservation analyses suggest that this variant may not impact the protein, though this information is not predictive enough to rule out pathogenicity. One likely pathogenic variant resulting in a different amino acid change at the same position, p.Asp236His, has been reported in association with disease in the literature, slightly supporting that a change at this position may not be tolerated (PMID: 31463572). In summary, the clinical significance of the p.Asp236Gly variant is uncertain. ACMG/AMP Criteria applied: PM2, PM5_supporting, BP4 (Richards 2015).

NM_018116.4(MSTO1):c.707A>G (p.Asp236Gly)

Gene: MSTO1 (misato mitochondrial distribution and morphology regulator 1; plus strand). Cytogenetic location: 1q22.
Variant type: single nucleotide variant.
Coding change: c.707A>G on transcript NM_018116.4 (MANE Select); coding-DNA position 707, A replaced by G.
Protein change: p.Asp236Gly; replaces aspartic acid 236 with glycine.
Molecular consequence: missense variant. On other transcripts: non-coding transcript variant (6).
Genome position (GRCh38, 1-based): chr1:155,612,210, A>G. VCF-style: chr1-155612210-A-G. GRCh37 (hg19) VCF-style: chr1-155582001-A-G.
Other names: c.707A>G, p.Asp236Gly (NM_001256532.1, NM_001256533.1, NM_001350772.1 and 3 more transcripts); c.542A>G, p.Asp181Gly (NM_001350776.1); c.176A>G, p.Asp59Gly (NM_001350777.1, NM_001350778.1, NM_001350779.1); c.173A>G, p.Asp58Gly (NM_001350780.1, NM_001350781.1, NM_001350782.1 and 3 more transcripts); c.164A>G, p.Asp55Gly (NM_001350784.1, NM_001350785.1, NM_001350787.1 and 1 more transcripts); short protein forms D181G, D236G, D55G, D58G, D59G.
Identifiers: ClinVar variation 977140 (VCV000977140.1), dbSNP rs1674285118, ClinGen allele CA342758213.